The following is an entry in ClinVar:

ClinVar aggregate classification (germline): Likely pathogenic (1 of 4 stars; one submission).

Submission:

GeneDx
Classification: Likely pathogenic. Last evaluated: 2019-10-02. Review status: criteria provided, single submitter. Criteria: GeneDx Variant Classification Process June 2021. Collection method: clinical testing. Allele origin: germline. Affected: yes.
Comment: Nonsense variant predicted to result in protein truncation or nonsense mediated decay in a gene for which loss-of-function is a known mechanism of disease; Not observed in large population cohorts (Lek et al., 2016); Reported as de novo in an individual with Stargardt disease and intellectual disability (Srivastava et al., 2014); This variant is associated with the following publications: (PMID: 25131622)

NM_022726.4(ELOVL4):c.35_48dup (p.Thr17Ter)

Gene: ELOVL4 (ELOVL fatty acid elongase 4; minus strand). Cytogenetic location: 6q14.1.
Variant type: Duplication.
Coding change: c.35_48dup on transcript NM_022726.4 (MANE Select); coding-DNA positions 35 to 48, 14 bases duplicated (TAAACGTAGTGTCC).
Protein change: p.Thr17Ter; replaces threonine 17 with a stop codon.
Molecular consequence: nonsense.
Genome position (GRCh38, 1-based): chr6:79,947,232-79,947,245, GGACACTACGTTTA duplicated on the plus strand (TAAACGTAGTGTCC on the coding strand, the reverse complement: ELOVL4 is on the minus strand); duplicating any 14 consecutive bases within chr6:79,947,232-79,947,254 gives the same sequence; the c. name uses the placement nearest the transcript's 3' end. VCF-style (leftmost placement, unchanged base first): chr6-79947231-T-TGGACACTACGTTTA. GRCh37 (hg19) VCF-style: chr6-80656948-T-TGGACACTACGTTTA.
Other names: short protein forms T17*.
Identifiers: ClinVar variation 1205363 (VCV001205363.3), dbSNP rs2127703554, ClinGen allele CA2499218580.